The following is an entry in ClinVar:

NM_015141.4(GPD1L):c.878T>C (p.Met293Thr)

Gene: GPD1L (glycerol-3-phosphate dehydrogenase 1 like; plus strand). Cytogenetic location: 3p22.3.
Variant type: single nucleotide variant.
Coding change: c.878T>C on transcript NM_015141.4 (MANE Select); coding-DNA position 878, T replaced by C.
Protein change: p.Met293Thr; replaces methionine 293 with threonine.
Molecular consequence: missense variant.
Genome position (GRCh38, 1-based): chr3:32,159,593, T>C. VCF-style: chr3-32159593-T-C. GRCh37 (hg19) VCF-style: chr3-32201085-T-C.
Other names: short protein forms M293T.
Identifiers: ClinVar variation 1423143 (VCV001423143.11), dbSNP rs188138719, ClinGen allele CA2296781.
Genomic context (GRCh38, chr3:32,159,593, plus strand): 5'-TAGTTTTTTTAAATATATAATCCTTTGTTTTTAAGACCATTGAAGAGTTGGAGAAGGAGA[T>C]GCTGAATGGGCAAAAGCTCCAAGGACCGCAGACTTCTGCTGAAGTGTACCGCATCCTCAA-3'
Protein context (NP_055956.1, residues 283-303): GKTIEELEKE[Met293Thr]LNGQKLQGPQ

ClinVar aggregate classification (germline): Uncertain significance. Review status: criteria provided, multiple submitters, no conflicts (2 of 4 stars). 3 submissions from 3 submitters: Uncertain significance (3). Last evaluated 2025-12-03.

Conditions:
Brugada syndrome. Also called: Sudden unexplained nocturnal death syndrome; Sudden Unexplained Death Syndrome; Sudden Unexplained Nocturnal Death Syndrome (SUNDS); Sudden unexpected nocturnal death syndrome. Identifiers: Orphanet 130, MedGen C1142166, MONDO:0015263.
Brugada syndrome 2 (BRGDA2). Identifiers: Orphanet 130, MedGen C2673193, MONDO:0012728, OMIM 611777.
Cardiovascular phenotype. Identifiers: MedGen CN230736.

Allele frequency attached by ClinVar (database versions not stated): gnomAD 0.00001; ExAC 0.00002; gnomAD exomes 0.00002 and 0.00003; TOPMed 0.00002; 1000 Genomes Project 30x 0.00016; 1000 Genomes Project 0.00020.
gnomAD v4.1: 38 of 1,610,560 alleles (0.0024%); highest among the groups gnomAD compares: Admixed American, 0.005%; no homozygotes.

Submissions (3):

Labcorp Genetics (formerly Invitae), Labcorp
Classification: Uncertain significance for Brugada syndrome. Last evaluated: 2025-12-03. Review status: criteria provided, single submitter. Criteria: Invitae Variant Classification Sherloc (09022015). Collection method: clinical testing. Allele origin: germline.
Comment: This sequence change replaces methionine, which is neutral and non-polar, with threonine, which is neutral and polar, at codon 293 of the GPD1L protein (p.Met293Thr). This variant is present in population databases (rs188138719, gnomAD 0.007%). This variant has not been reported in the literature in individuals affected with GPD1L-related conditions. ClinVar contains an entry for this variant (Variation ID: 1423143). Invitae Evidence Modeling of protein sequence and biophysical properties (such as structural, functional, and spatial information, amino acid conservation, physicochemical variation, residue mobility, and thermodynamic stability) indicates that this missense variant is not expected to disrupt GPD1L protein function with a negative predictive value of 80%. In summary, the available evidence is currently insufficient to determine the role of this variant in disease. Therefore, it has been classified as a Variant of Uncertain Significance.

Ambry Genetics
Classification: Uncertain significance for Cardiovascular phenotype. Last evaluated: 2024-01-16. Review status: criteria provided, single submitter. Criteria: Ambry Variant Classification Scheme 2023. Collection method: clinical testing. Allele origin: germline.

Fulgent Genetics
Classification: Uncertain significance for Brugada syndrome 2. Last evaluated: 2021-08-12. Review status: criteria provided, single submitter. Criteria: ACMG Guidelines, 2015. Collection method: clinical testing. Allele origin: unknown.